The following is an entry in ClinVar:

NM_017763.6(RNF43):c.2309-14CT[2]

Gene: RNF43 (ring finger protein 43; minus strand). Cytogenetic location: 17q22.
Variant type: Microsatellite.
Coding change: c.2309-14CT[2] on transcript NM_017763.6 (MANE Select); two copies in a row of the 2-base unit CT starting at c.2309-14; the reference has three copies in a row; one copy, 2 bases deleted.
Molecular consequence: intron variant.
Genome position (GRCh38, 1-based): chr17:58,354,995-58,354,996, AG deleted on the plus strand (CT on the coding strand, the reverse complement: RNF43 is on the minus strand); deleting any 2 consecutive bases within chr17:58,354,995-58,355,000 gives the same sequence; the position shown is the placement nearest the transcript's 3' end. VCF-style (leftmost placement, unchanged base first): chr17-58354994-TAG-T. GRCh37 (hg19) VCF-style: chr17-56432355-TAG-T.
Other names: c.2309-14CT[2] (NM_001438822.1, NM_001305544.3); c.1928-14CT[2] (NM_001305545.2).
Identifiers: ClinVar variation 1650473 (VCV001650473.10), dbSNP rs750610377, ClinGen allele CA8672992.

ClinVar aggregate classification (germline): Conflicting classifications of pathogenicity. Review status: criteria provided, conflicting classifications (1 of 4 stars). 3 submissions from 3 submitters: Uncertain significance (1); Likely benign (2). Last evaluated 2026-06-26.

Conditions:
Sessile serrated polyposis cancer syndrome (SSPCS). Identifiers: Orphanet 157798, MedGen C4310714, MONDO:0014919, OMIM 617108.

Submissions (3):

Myriad Genetics, Inc.
Classification: Likely benign for Sessile serrated polyposis cancer syndrome. Last evaluated: 2026-06-26. Review status: criteria provided, single submitter. Criteria: Myriad Autosomal Dominant, Autosomal Recessive and X-Linked Classification Criteria (2023). Collection method: clinical testing. Allele origin: unknown.
Comment: This variant is considered likely benign. This variant is intronic and is not expected to impact mRNA splicing.

Labcorp Genetics (formerly Invitae), Labcorp
Classification: Likely benign. Last evaluated: 2024-10-18. Review status: criteria provided, single submitter. Criteria: Invitae Variant Classification Sherloc (09022015). Collection method: clinical testing. Allele origin: germline.

GeneDx
Classification: Uncertain significance. Last evaluated: 2024-03-29. Review status: criteria provided, single submitter. Criteria: GeneDx Variant Classification Process June 2021. Collection method: clinical testing. Allele origin: germline. Affected: yes.
Comment: Has not been previously published as pathogenic or benign to our knowledge; In silico analysis is inconclusive as to whether the variant alters gene splicing. In the absence of RNA/functional studies, the actual effect of this sequence change is unknown.; Variants in candidate genes are classified as variants of uncertain significance in accordance with ACMG guidelines (PMID: 25741868)